The following is an entry in ClinVar:

ClinVar aggregate classification (germline): Uncertain significance (1 of 4 stars; one submission).

Conditions:
Autosomal dominant nocturnal frontal lobe epilepsy 5. Also called: Epilepsy, nocturnal frontal lobe, 5; CILIARY DYSKINESIA, PRIMARY, 28, WITH SITUS INVERSUS; KCNT1-Related Epilepsy; CILIARY DYSKINESIA, PRIMARY, 28, WITHOUT SITUS INVERSUS. Identifiers: Orphanet 98784, MedGen C3554306, MONDO:0014002, OMIM 615005.
Developmental and epileptic encephalopathy, 14 (DEE14). Also called: Early infantile epileptic encephalopathy 14. Identifiers: Orphanet 293181, MedGen C3554195, MONDO:0013989, OMIM 614959.

gnomAD v4.1: 2 of 1,574,148 alleles (0.00013%); highest among the groups gnomAD compares: Non-Finnish European, 0.00017%; no homozygotes.

Submission:

Labcorp Genetics (formerly Invitae), Labcorp
Classification: Uncertain significance for Autosomal dominant nocturnal frontal lobe epilepsy 5; Developmental and epileptic encephalopathy, 14. Last evaluated: 2023-11-10. Review status: criteria provided, single submitter. Criteria: Invitae Variant Classification Sherloc (09022015). Collection method: clinical testing. Allele origin: germline.
Comment: This sequence change replaces glycine, which is neutral and non-polar, with aspartic acid, which is acidic and polar, at codon 1125 of the KCNT1 protein (p.Gly1125Asp). This variant is present in population databases (no rsID available, gnomAD 0.003%). This variant has not been reported in the literature in individuals affected with KCNT1-related conditions. ClinVar contains an entry for this variant (Variation ID: 954860). Advanced modeling of protein sequence and biophysical properties (such as structural, functional, and spatial information, amino acid conservation, physicochemical variation, residue mobility, and thermodynamic stability) performed at Invitae indicates that this missense variant is not expected to disrupt KCNT1 protein function with a negative predictive value of 80%. In summary, the available evidence is currently insufficient to determine the role of this variant in disease. Therefore, it has been classified as a Variant of Uncertain Significance.

NM_020822.3(KCNT1):c.3374G>A (p.Gly1125Asp)

Gene: KCNT1 (potassium sodium-activated channel subfamily T member 1; plus strand). Cytogenetic location: 9q34.3.
Variant type: single nucleotide variant.
Coding change: c.3374G>A on transcript NM_020822.3 (MANE Select); coding-DNA position 3374, G replaced by A.
Protein change: p.Gly1125Asp; replaces glycine 1125 with aspartic acid.
Molecular consequence: missense variant.
Genome position (GRCh38, 1-based): chr9:135,786,393, G>A. VCF-style: chr9-135786393-G-A. GRCh37 (hg19) VCF-style: chr9-138678239-G-A.
Other names: c.3239G>A, p.Gly1080Asp (NM_001272003.2); short protein forms G1080D, G1125D.
Identifiers: ClinVar variation 954860 (VCV000954860.10), dbSNP rs1316682933, ClinGen allele CA375491881.